The following is an entry in ClinVar:

NM_130811.4(SNAP25):c.164-178A>T

Gene: SNAP25 (synaptosome associated protein 25; plus strand). Cytogenetic location: 20p12.2.
Variant type: single nucleotide variant.
Coding change: c.164-178A>T on transcript NM_130811.4 (MANE Select); 178 bases into the intron before coding-DNA position 164, A replaced by T.
Molecular consequence: intron variant. On other transcripts: missense variant (3).
Genome position (GRCh38, 1-based): chr20:10,292,983, A>T. VCF-style: chr20-10292983-A-T. GRCh37 (hg19) VCF-style: chr20-10273631-A-T.
Other names: c.265A>T, p.Ile89Leu (NM_001322902.2, NM_001424415.1, NM_003081.5); c.164-178A>T (NM_001424416.1, NM_001322907.2, NM_001322910.2 and 6 more transcripts); short protein forms I89L.
Identifiers: ClinVar variation 4976538 (VCV004976538.1).
Genomic context (GRCh38, chr20:10,292,983, plus strand): 5'-CAAGACATGAAGGAGGCTGAGAAAAATTTAAAAGATTTAGGGAAATGCTGTGGCCTTTTC[A>T]TATGTCCTTGTAACAAGTAGGTACTGGGTACCAGCTCTAATCTGTGGCGTCCAGTTTTCT-3'

ClinVar aggregate classification (germline): Uncertain significance (1 of 4 stars; one submission).

gnomAD v4.1: 1 of 1,610,432 alleles (0.000062%); highest among the groups gnomAD compares: Non-Finnish European, 0.000085%; no homozygotes.

Submission:

GeneDx
Classification: Uncertain significance. Last evaluated: 2026-02-10. Review status: criteria provided, single submitter. Criteria: GeneDx Variant Classification Process June 2021. Collection method: clinical testing. Allele origin: germline.
Comment: Not observed at significant frequency in large population cohorts (gnomAD); In silico analysis suggests that this missense variant does not alter protein structure/function; Has not been previously published as pathogenic or benign to our knowledge